The following is an entry in ClinVar:

NM_002519.3(NPAT):c.995T>C (p.Phe332Ser)

Gene: NPAT (nuclear protein, coactivator of histone transcription; minus strand). Cytogenetic location: 11q22.3.
Variant type: single nucleotide variant.
Coding change: c.995T>C on transcript NM_002519.3 (MANE Select); coding-DNA position 995, T replaced by C.
Protein change: p.Phe332Ser; replaces phenylalanine 332 with serine.
Molecular consequence: missense variant.
Genome position (GRCh38, 1-based): chr11:108,177,002, A>G on the plus strand (T>C on the coding strand, the complement: NPAT is on the minus strand). VCF-style: chr11-108177002-A-G. GRCh37 (hg19) VCF-style: chr11-108047729-A-G.
Other names: c.995T>C, p.Phe332Ser (NM_001321307.1); short protein forms F332S.
Identifiers: ClinVar variation 1768738 (VCV001768738.2), dbSNP rs2496727184, ClinGen allele CA382517160.

ClinVar aggregate classification (germline): Uncertain significance (1 of 4 stars; one submission).

Submission:

Ambry Genetics
Classification: Uncertain significance. Last evaluated: 2021-10-25. Review status: criteria provided, single submitter. Criteria: Ambry Variant Classification Scheme 2023. Collection method: clinical testing. Allele origin: germline.
Comment: The p.F332S variant (also known as c.995T>C), located in coding exon 11 of the NPAT gene, results from a T to C substitution at nucleotide position 995. The phenylalanine at codon 332 is replaced by serine, an amino acid with highly dissimilar properties. This amino acid position is conserved. In addition, the in silico prediction for this alteration is inconclusive. Since supporting evidence is limited at this time, the clinical significance of this alteration remains unclear.